The following is an entry in ClinVar:

NM_001999.4(FBN2):c.7679C>T (p.Pro2560Leu)

Gene: FBN2 (fibrillin 2; minus strand). Cytogenetic location: 5q23.3.
Variant type: single nucleotide variant.
Coding change: c.7679C>T on transcript NM_001999.4 (MANE Select); coding-DNA position 7679, C replaced by T.
Protein change: p.Pro2560Leu; replaces proline 2560 with leucine.
Molecular consequence: missense variant.
Genome position (GRCh38, 1-based): chr5:128,274,599, G>A on the plus strand (C>T on the coding strand, the complement: FBN2 is on the minus strand). VCF-style: chr5-128274599-G-A. GRCh37 (hg19) VCF-style: chr5-127610291-G-A.
Other names: short protein forms P2560L.
Identifiers: ClinVar variation 2859971 (VCV002859971.3), dbSNP rs2479639390, ClinGen allele CA360753115.

ClinVar aggregate classification (germline): Uncertain significance (1 of 4 stars; one submission).

Conditions:
Congenital contractural arachnodactyly (CCA). Also called: BEALS SYNDROME; Arthrogryposis, distal, type 9; Beals-Hecht syndrome. Identifiers: Orphanet 115, MedGen C0220668, MONDO:0007363, OMIM 121050.

Submission:

Labcorp Genetics (formerly Invitae), Labcorp
Classification: Uncertain significance for Congenital contractural arachnodactyly. Last evaluated: 2023-04-28. Review status: criteria provided, single submitter. Criteria: Invitae Variant Classification Sherloc (09022015). Collection method: clinical testing. Allele origin: germline.
Comment: In summary, the available evidence is currently insufficient to determine the role of this variant in disease. Therefore, it has been classified as a Variant of Uncertain Significance. Advanced modeling of protein sequence and biophysical properties (such as structural, functional, and spatial information, amino acid conservation, physicochemical variation, residue mobility, and thermodynamic stability) performed at Invitae indicates that this missense variant is not expected to disrupt FBN2 protein function. This variant has not been reported in the literature in individuals affected with FBN2-related conditions. This variant is not present in population databases (gnomAD no frequency). This sequence change replaces proline, which is neutral and non-polar, with leucine, which is neutral and non-polar, at codon 2560 of the FBN2 protein (p.Pro2560Leu).